The following is an entry in ClinVar:

NM_001365951.3(KIF1B):c.1298C>T (p.Thr433Ile)

Gene: KIF1B (kinesin family member 1B; plus strand). Cytogenetic location: 1p36.22.
Variant type: single nucleotide variant.
Coding change: c.1298C>T on transcript NM_001365951.3 (MANE Select); coding-DNA position 1298, C replaced by T.
Protein change: p.Thr433Ile; replaces threonine 433 with isoleucine.
Molecular consequence: missense variant. On other transcripts: intron variant (3).
Genome position (GRCh38, 1-based): chr1:10,282,397, C>T. VCF-style: chr1-10282397-C-T. GRCh37 (hg19) VCF-style: chr1-10342455-C-T.
Other names: c.1298C>T, p.Thr433Ile (NM_001365952.1); c.1163-3C>T (NM_183416.4, NM_015074.3, NM_001365953.1); short protein forms T433I.
Identifiers: ClinVar variation 4701053 (VCV004701053.1).

ClinVar aggregate classification (germline): Uncertain significance (1 of 4 stars; one submission).

Conditions:
Charcot-Marie-Tooth disease type 2. Also called: Charcot-Marie-Tooth type 2. Identifiers: Orphanet 64746, MedGen C0270914, MONDO:0018993.

gnomAD v4.1: 1 of 1,614,198 alleles (0.000062%); highest among the groups gnomAD compares: African/African-American, 0.0013%; no homozygotes.

Submission:

Labcorp Genetics (formerly Invitae), Labcorp
Classification: Uncertain significance for Charcot-Marie-Tooth disease type 2. Last evaluated: 2025-09-01. Review status: criteria provided, single submitter. Criteria: Invitae Variant Classification Sherloc (09022015). Collection method: clinical testing. Allele origin: germline.
Comment: This sequence change falls in intron 12 of the KIF1B gene. It does not directly change the encoded amino acid sequence of the KIF1B protein. It affects a nucleotide within the consensus splice site. This variant is not present in population databases (gnomAD no frequency). This variant has not been reported in the literature in individuals affected with KIF1B-related conditions. Variants that disrupt the consensus splice site are a relatively common cause of aberrant splicing (PMID: 17576681, 9536098). Algorithms developed to predict the effect of sequence changes on RNA splicing suggest that this variant may disrupt the consensus splice site. In summary, the available evidence is currently insufficient to determine the role of this variant in disease. Therefore, it has been classified as a Variant of Uncertain Significance.

Literature cited by the submitters: PubMed 17576681; PubMed 9536098.